The following is an entry in ClinVar:

ClinVar aggregate classification (germline): Uncertain significance. Review status: criteria provided, multiple submitters, no conflicts (2 of 4 stars). 3 submissions from 3 submitters: Uncertain significance (3). Last evaluated 2025-07-15.

Conditions:
Neurofibromatosis, type 1 (NF1). Also called: NEUROFIBROMATOSIS, TYPE I, SOMATIC; VON RECKLINGHAUSEN DISEASE; Neurofibromatosis, type I; Peripheral type neurofibromatosis. Identifiers: Orphanet 636, MedGen C0027831, MONDO:0018975, OMIM 162200. Disease mechanism: loss of function.
Hereditary cancer-predisposing syndrome. Also called: Neoplastic Syndromes, Hereditary; Tumor predisposition; Hereditary Cancer Syndrome; Hereditary neoplastic syndrome. Identifiers: Orphanet 140162, MedGen C0027672, MeSH D009386, MONDO:0015356.
Cardiovascular phenotype. Identifiers: MedGen CN230736.

Submissions (3):

Ambry Genetics
Classification: Uncertain significance for Cardiovascular phenotype; Hereditary cancer-predisposing syndrome. Last evaluated: 2025-07-15. Review status: criteria provided, single submitter. Criteria: Ambry Variant Classification Scheme 2023. Collection method: clinical testing. Allele origin: germline.
Comment: The p.M1073L variant (also known as c.3217A>T), located in coding exon 25 of the NF1 gene, results from an A to T substitution at nucleotide position 3217. The methionine at codon 1073 is replaced by leucine, an amino acid with highly similar properties. This amino acid position is highly conserved in available vertebrate species. In addition, the in silico prediction for this alteration is inconclusive. Based on the available evidence, the clinical significance of this variant remains unclear.

Dasa
Classification: Uncertain significance. Last evaluated: 2025-04-19. Review status: criteria provided, single submitter. Criteria: DASA Assertion Criteria. Collection method: clinical testing. Allele origin: germline.
Comment: NM_001042492.3(NF1):c.3217A>T (p.Met1073Leu) is a missense variant that results in the substitution of methionine with leucine. This variant is absent from population databases. The currently available literature and clinical evidence are not sufficient to establish a definitive association between this variant and the reported condition. Therefore, this variant is classified as a variant of uncertain significance.

Labcorp Genetics (formerly Invitae), Labcorp
Classification: Uncertain significance for Neurofibromatosis, type 1. Last evaluated: 2024-07-18. Review status: criteria provided, single submitter. Criteria: Invitae Variant Classification Sherloc (09022015). Collection method: clinical testing. Allele origin: germline.
Comment: This sequence change replaces methionine, which is neutral and non-polar, with leucine, which is neutral and non-polar, at codon 1073 of the NF1 protein (p.Met1073Leu). This variant is not present in population databases (gnomAD no frequency). This variant has not been reported in the literature in individuals affected with NF1-related conditions. Advanced modeling of protein sequence and biophysical properties (such as structural, functional, and spatial information, amino acid conservation, physicochemical variation, residue mobility, and thermodynamic stability) performed at Invitae indicates that this missense variant is not expected to disrupt NF1 protein function with a negative predictive value of 95%. In summary, the available evidence is currently insufficient to determine the role of this variant in disease. Therefore, it has been classified as a Variant of Uncertain Significance.

NM_001042492.3(NF1):c.3217A>T (p.Met1073Leu)

Gene: NF1 (neurofibromin 1; plus strand). Cytogenetic location: 17q11.2.
Variant type: single nucleotide variant.
Coding change: c.3217A>T on transcript NM_001042492.3 (MANE Select); coding-DNA position 3217, A replaced by T.
Protein change: p.Met1073Leu; replaces methionine 1073 with leucine.
Molecular consequence: missense variant.
Genome position (GRCh38, 1-based): chr17:31,232,092, A>T. VCF-style: chr17-31232092-A-T. GRCh37 (hg19) VCF-style: chr17-29559110-A-T.
Other names: c.3217A>T, p.Met1073Leu (NM_000267.4); short protein forms M1073L.
Identifiers: ClinVar variation 3634529 (VCV003634529.5).
Genomic context (GRCh38, chr17:31,232,092, plus strand): 5'-ATGGTCTCTAAATTTTTTTTTTTTTTTTTTTTTTTTTTCAGAGATTTGGACCAGGCAAGC[A>T]TGGAAGCAGTAGTTTCACTTCTAGCTGGTCTCCCTCTGCAGCCTGAAGAAGGAGATGGTG-3'
Protein context (NP_001035957.1, residues 1063-1083): CLTRDLDQAS[Met1073Leu]EAVVSLLAGL